The following is an entry in ClinVar:

ClinVar aggregate classification (germline): Benign. Review status: criteria provided, multiple submitters, no conflicts (2 of 4 stars). 3 submissions from 3 submitters: Benign (2). 1 of the submissions does not count toward it. Last evaluated 2026-01-27.

Conditions:
EPRS1-related disorder. Also called: EPRS1-related condition.

Allele frequency attached by ClinVar (database versions not stated): gnomAD exomes 0.01041; ExAC 0.01271; gnomAD 0.03697 and 0.03989; TOPMed 0.04311; 1000 Genomes Project 0.04333; ESP Exome Variant Server 0.04452; 1000 Genomes Project 30x 0.04606.
gnomAD v4.1: 11,564 of 1,613,890 alleles (0.72%); highest among the groups gnomAD compares: African/African-American, 13%; 633 homozygotes.

Submissions (3):

Labcorp Genetics (formerly Invitae), Labcorp
Classification: Benign. Last evaluated: 2026-01-27. Review status: criteria provided, single submitter. Criteria: Invitae Variant Classification Sherloc (09022015). Collection method: clinical testing. Allele origin: germline.

Breakthrough Genomics
Classification: Benign. Review status: criteria provided, single submitter. Criteria: ACMG Guidelines, 2015. Collection method: not provided. Allele origin: germline. Inheritance: Autosomal recessive inheritance. Affected: yes.

PreventionGenetics, part of Exact Sciences
Classification: Benign for EPRS1-related condition. Last evaluated: 2019-09-11. Review status: no assertion criteria provided. Collection method: clinical testing. Allele origin: germline. Not counted in ClinVar's aggregate classification.
Comment: This variant is classified as benign based on ACMG/AMP sequence variant interpretation guidelines (Richards et al. 2015 PMID: 25741868, with internal and published modifications).

NM_004446.3(EPRS1):c.2678C>A (p.Pro893His)

Gene: EPRS1 (glutamyl-prolyl-tRNA synthetase 1; minus strand). Cytogenetic location: 1q41.
Variant type: single nucleotide variant.
Coding change: c.2678C>A on transcript NM_004446.3 (MANE Select); coding-DNA position 2678, C replaced by A.
Protein change: p.Pro893His; replaces proline 893 with histidine.
Molecular consequence: missense variant.
Genome position (GRCh38, 1-based): chr1:219,988,687, G>T on the plus strand (C>A on the coding strand, the complement: EPRS1 is on the minus strand). VCF-style: chr1-219988687-G-T. GRCh37 (hg19) VCF-style: chr1-220162029-G-T.
Other names: c.2678C>A (NM_004446.2); short protein forms P893H.
Identifiers: ClinVar variation 1165414 (VCV001165414.12), dbSNP rs5030751, ClinGen allele CA1399911.